The following is an entry in ClinVar:

NM_172250.3(MMAA):c.795_796dup (p.Pro266fs)

Gene: MMAA (metabolism of cobalamin associated A; plus strand). Cytogenetic location: 4q31.21.
Variant type: Duplication.
Coding change: c.795_796dup on transcript NM_172250.3 (MANE Select); coding-DNA positions 795 to 796, 2 bases duplicated (AC; older notation c.795_796dupAC).
Protein change: p.Pro266fs; shifts the reading frame from proline 266.
Molecular consequence: frameshift variant.
Genome position (GRCh38, 1-based): chr4:145,651,123-145,651,124, AC duplicated; duplicating any 2 consecutive bases within chr4:145,651,122-145,651,124 gives the same sequence; the c. name uses the placement nearest the transcript's 3' end. VCF-style (leftmost placement, unchanged base first): chr4-145651121-C-CCA. GRCh37 (hg19) VCF-style: chr4-146572273-C-CCA.
Other names: c.795_796dup, p.Pro266fs (NM_001375644.1); short protein forms P266fs.
Identifiers: ClinVar variation 1455574 (VCV001455574.6), dbSNP rs2126627182, ClinGen allele CA2573138135.

ClinVar aggregate classification (germline): Pathogenic (1 of 4 stars; one submission).

Conditions:
Methylmalonic aciduria, cblA type (MACA). Also called: Methylmalonic aciduria, vitamin B12-responsive; Vitamin B12-responsive methylmalonic acidemia type cblA; Methylmalonic aciduria, vitamin b12-responsive, due to defect in synthesis of adenosylcobalamin, cbla complementation type; MMA cbl A type; Methylmalonic acidemia cblA type. Identifiers: Orphanet 28, Orphanet 79310, MedGen C1855109, MONDO:0009613, OMIM 251100.

Submission:

Labcorp Genetics (formerly Invitae), Labcorp
Classification: Pathogenic for Methylmalonic aciduria, cblA type. Last evaluated: 2021-11-15. Review status: criteria provided, single submitter. Criteria: Invitae Variant Classification Sherloc (09022015). Collection method: clinical testing. Allele origin: germline.
Comment: This variant is not present in population databases (gnomAD no frequency). This sequence change creates a premature translational stop signal (p.Pro266Hisfs*15) in the MMAA gene. It is expected to result in an absent or disrupted protein product. Loss-of-function variants in MMAA are known to be pathogenic (PMID: 15523652, 15781192). This variant has not been reported in the literature in individuals affected with MMAA-related conditions. For these reasons, this variant has been classified as Pathogenic.

Literature cited by the submitters: PubMed 15523652; PubMed 15781192.